The following is an entry in ClinVar:

ClinVar aggregate classification (germline): Uncertain significance. Review status: criteria provided, multiple submitters, no conflicts (2 of 4 stars). 2 submissions from 2 submitters: Uncertain significance (2). Last evaluated 2025-11-28.

Conditions:
Inborn genetic diseases. Identifiers: MedGen C0950123, MeSH D030342.

Allele frequency attached by ClinVar (database versions not stated): ESP Exome Variant Server 0.00008; gnomAD exomes 0.00003; gnomAD 0.00004; TOPMed 0.00004; ExAC 0.00001.
gnomAD v4.1: 49 of 1,612,384 alleles (0.003%); highest among the groups gnomAD compares: Non-Finnish European, 0.0037%; no homozygotes.

Submissions (2):

Labcorp Genetics (formerly Invitae), Labcorp
Classification: Uncertain significance. Last evaluated: 2025-11-28. Review status: criteria provided, single submitter. Criteria: Invitae Variant Classification Sherloc (09022015). Collection method: clinical testing. Allele origin: germline.
Comment: This sequence change replaces lysine, which is basic and polar, with glutamic acid, which is acidic and polar, at codon 33 of the CDH2 protein (p.Lys33Glu). This variant is present in population databases (rs201462293, gnomAD 0.004%). This variant has not been reported in the literature in individuals affected with CDH2-related conditions. ClinVar contains an entry for this variant (Variation ID: 1768243). An algorithm developed to predict the effect of missense changes on protein structure and function (PolyPhen-2) suggests that this variant is likely to be tolerated. In summary, the available evidence is currently insufficient to determine the role of this variant in disease. Therefore, it has been classified as a Variant of Uncertain Significance.

Ambry Genetics
Classification: Uncertain significance for Inborn genetic diseases. Last evaluated: 2024-11-03. Review status: criteria provided, single submitter. Criteria: Ambry Variant Classification Scheme 2023. Collection method: clinical testing. Allele origin: germline.
Comment: The p.K33E variant (also known as c.97A>G), located in coding exon 2 of the CDH2 gene, results from an A to G substitution at nucleotide position 97. The lysine at codon 33 is replaced by glutamic acid, an amino acid with similar properties. This amino acid position is conserved. In addition, this alteration is predicted to be tolerated by in silico analysis. Since supporting evidence is limited at this time, the clinical significance of this alteration remains unclear.

NM_001792.5(CDH2):c.97A>G (p.Lys33Glu)

Gene: CDH2 (cadherin 2; minus strand). Cytogenetic location: 18q12.1.
Variant type: single nucleotide variant.
Coding change: c.97A>G on transcript NM_001792.5 (MANE Select); coding-DNA position 97, A replaced by G.
Protein change: p.Lys33Glu; replaces lysine 33 with glutamic acid.
Molecular consequence: missense variant.
Genome position (GRCh38, 1-based): chr18:28,147,748, T>C on the plus strand (A>G on the coding strand, the complement: CDH2 is on the minus strand). VCF-style: chr18-28147748-T-C. GRCh37 (hg19) VCF-style: chr18-25727712-T-C.
Other names: short protein forms K33E.
Identifiers: ClinVar variation 1768243 (VCV001768243.6), dbSNP rs201462293, ClinGen allele CA8923835.